The following is an entry in ClinVar:

NM_000255.4(MMUT):c.2201A>C (p.Gln734Pro)

Gene: MMUT (methylmalonyl-CoA mutase; minus strand). Cytogenetic location: 6p12.3.
Variant type: single nucleotide variant.
Coding change: c.2201A>C on transcript NM_000255.4 (MANE Select); coding-DNA position 2201, A replaced by C.
Protein change: p.Gln734Pro; replaces glutamine 734 with proline.
Molecular consequence: missense variant.
Genome position (GRCh38, 1-based): chr6:49,431,780, T>G on the plus strand (A>C on the coding strand, the complement: MMUT is on the minus strand). VCF-style: chr6-49431780-T-G. GRCh37 (hg19) VCF-style: chr6-49399493-T-G.
Other names: short protein forms Q734P.
Identifiers: ClinVar variation 1418300 (VCV001418300.8), dbSNP rs983998340, ClinGen allele CA364582937.

ClinVar aggregate classification (germline): Uncertain significance (1 of 4 stars; one submission).

Submission:

Labcorp Genetics (formerly Invitae), Labcorp
Classification: Uncertain significance. Last evaluated: 2021-06-15. Review status: criteria provided, single submitter. Criteria: Invitae Variant Classification Sherloc (09022015). Collection method: clinical testing. Allele origin: germline.
Comment: Algorithms developed to predict the effect of missense changes on protein structure and function are either unavailable or do not agree on the potential impact of this missense change (SIFT: "Deleterious"; PolyPhen-2: "Benign"; Align-GVGD: "Class C0"). This variant has not been reported in the literature in individuals with MUT-related conditions. This variant is not present in population databases (ExAC no frequency). This sequence change replaces glutamine with proline at codon 734 of the MUT protein (p.Gln734Pro). The glutamine residue is highly conserved and there is a moderate physicochemical difference between glutamine and proline. In summary, the available evidence is currently insufficient to determine the role of this variant in disease. Therefore, it has been classified as a Variant of Uncertain Significance.